The following is an entry in ClinVar:

ClinVar aggregate classification (germline): Pathogenic (1 of 4 stars; one submission).

Submission:

Labcorp Genetics (formerly Invitae), Labcorp
Classification: Pathogenic. Last evaluated: 2023-07-10. Review status: criteria provided, single submitter. Criteria: Invitae Variant Classification Sherloc (09022015). Collection method: clinical testing. Allele origin: germline.
Comment: For these reasons, this variant has been classified as Pathogenic. This premature translational stop signal has been observed in individual(s) with CTNNB1-related disorders (PMID: 31981491). This variant is not present in population databases (gnomAD no frequency). This sequence change creates a premature translational stop signal (p.Ser348Cysfs*4) in the CTNNB1 gene. It is expected to result in an absent or disrupted protein product. Loss-of-function variants in CTNNB1 are known to be pathogenic (PMID: 23033978, 24614104, 25326669, 26350204, 28575650).

Literature cited by the submitters: PubMed 31981491; PubMed 23033978; PubMed 24614104; PubMed 25326669; PubMed 26350204; PubMed 28575650.

NM_001904.4(CTNNB1):c.1041_1042del (p.Ser348fs)

Gene: CTNNB1 (catenin beta 1; plus strand). Cytogenetic location: 3p22.1.
Variant type: Deletion.
Coding change: c.1041_1042del on transcript NM_001904.4 (MANE Select); coding-DNA positions 1041 to 1042, 2 bases deleted (AT; older notation c.1041_1042delAT).
Protein change: p.Ser348fs; shifts the reading frame from serine 348.
Molecular consequence: frameshift variant.
Genome position (GRCh38, 1-based): chr3:41,227,312-41,227,313, AT deleted; deleting any 2 consecutive bases within chr3:41,227,311-41,227,313 gives the same sequence; the c. name uses the placement nearest the transcript's 3' end. VCF-style (leftmost placement, unchanged base first): chr3-41227310-CTA-C. GRCh37 (hg19) VCF-style: chr3-41268801-CTA-C.
Other names: c.1041_1042del, p.Ser348fs (NM_001098209.2, NM_001098210.2); c.1020_1021del, p.Ser341fs (NM_001330729.2); short protein forms S348fs, S341fs.
Identifiers: ClinVar variation 2740740 (VCV002740740.3), dbSNP rs2470799025, ClinGen allele CA2697550825.